The following is an entry in ClinVar:

ClinVar aggregate classification (germline): Conflicting classifications of pathogenicity. Review status: criteria provided, conflicting classifications (1 of 4 stars). 2 submissions from 2 submitters: Uncertain significance (1); Likely benign (1). Last evaluated 2025-10-21.

Conditions:
Inborn genetic diseases. Identifiers: MedGen C0950123, MeSH D030342.

Allele frequency attached by ClinVar (database versions not stated): gnomAD exomes 0.00001; gnomAD 0.00003; TOPMed 0.00002.
gnomAD v4.1: 19 of 1,613,906 alleles (0.0012%); highest among the groups gnomAD compares: African/African-American, 0.0093%; no homozygotes.

Submissions (2):

Labcorp Genetics (formerly Invitae), Labcorp
Classification: Uncertain significance. Last evaluated: 2025-10-21. Review status: criteria provided, single submitter. Criteria: Invitae Variant Classification Sherloc (09022015). Collection method: clinical testing. Allele origin: germline.
Comment: This sequence change replaces asparagine, which is neutral and polar, with serine, which is neutral and polar, at codon 264 of the STAG1 protein (p.Asn264Ser). This variant is present in population databases (no rsID available, gnomAD 0.02%). This variant has not been reported in the literature in individuals affected with STAG1-related conditions. ClinVar contains an entry for this variant (Variation ID: 2877040). Invitae Evidence Modeling of protein sequence and biophysical properties (such as structural, functional, and spatial information, amino acid conservation, physicochemical variation, residue mobility, and thermodynamic stability) indicates that this missense variant is not expected to disrupt STAG1 protein function with a negative predictive value of 80%. In summary, the available evidence is currently insufficient to determine the role of this variant in disease. Therefore, it has been classified as a Variant of Uncertain Significance.

Ambry Genetics
Classification: Likely benign for Inborn genetic diseases. Last evaluated: 2025-08-10. Review status: criteria provided, single submitter. Criteria: Ambry Variant Classification Scheme 2023. Collection method: clinical testing. Allele origin: germline.

NM_005862.3(STAG1):c.791A>G (p.Asn264Ser)

Gene: STAG1 (STAG1 cohesin complex component; minus strand). Cytogenetic location: 3q22.3.
Variant type: single nucleotide variant.
Coding change: c.791A>G on transcript NM_005862.3 (MANE Select); coding-DNA position 791, A replaced by G.
Protein change: p.Asn264Ser; replaces asparagine 264 with serine.
Molecular consequence: missense variant.
Genome position (GRCh38, 1-based): chr3:136,502,665, T>C on the plus strand (A>G on the coding strand, the complement: STAG1 is on the minus strand). VCF-style: chr3-136502665-T-C. GRCh37 (hg19) VCF-style: chr3-136221507-T-C.
Other names: c.791A>G (NM_005862.2); short protein forms N264S.
Identifiers: ClinVar variation 2877040 (VCV002877040.4), dbSNP rs956934022, ClinGen allele CA83840123.
Genomic context (GRCh38, chr3:136,502,665, plus strand): 5'-TCATCAGTTCCCATGAAACTTACCTCTTTGCGTTTCTGAAGTAGTAACTCCAACCTTTCA[T>C]TGGCTCTCTTCCCAATCATTTTATTTCTCTCGGCTTCATATTGTCTCTGGGTATTATCCT-3'
Protein context (NP_005853.2, residues 254-274): ERNKMIGKRA[Asn264Ser]ERLELLLQKR